The following is an entry in ClinVar:

NM_021098.3(CACNA1H):c.5802C>A (p.Phe1934Leu)

Gene: CACNA1H (calcium voltage-gated channel subunit alpha1 H; plus strand). Cytogenetic location: 16p13.3.
Variant type: single nucleotide variant.
Coding change: c.5802C>A on transcript NM_021098.3 (MANE Select); coding-DNA position 5802, C replaced by A.
Protein change: p.Phe1934Leu; replaces phenylalanine 1934 with leucine.
Molecular consequence: missense variant.
Genome position (GRCh38, 1-based): chr16:1,218,566, C>A. VCF-style: chr16-1218566-C-A. GRCh37 (hg19) VCF-style: chr16-1268566-C-A.
Other names: c.5784C>A, p.Phe1928Leu (NM_001005407.2); c.5802C>A (NM_021098.2); short protein forms F1928L, F1934L.
Identifiers: ClinVar variation 1063109 (VCV001063109.8), dbSNP rs746487526, ClinGen allele CA394147926.

ClinVar aggregate classification (germline): Uncertain significance. Review status: criteria provided, multiple submitters, no conflicts (2 of 4 stars). 2 submissions from 2 submitters: Uncertain significance (2). Last evaluated 2025-08-22.

Conditions:
CACNA1H-related disorder.
Hyperaldosteronism, familial, type IV (HALD4). Also called: FH IV; ALDOSTERONISM, PRIMARY, AND HYPERTENSION. Identifiers: Orphanet 642671, MedGen C4310756, MONDO:0014875, OMIM 617027.
Idiopathic generalized epilepsy. Also called: EIG; Generalised epilepsy. Identifiers: MedGen C0270850, MONDO:0005579, OMIM 600669.

gnomAD v4.1: 72 of 1,564,512 alleles (0.0046%); highest among the groups gnomAD compares: Non-Finnish European, 0.0061%; no homozygotes.

Submissions (2):

PreventionGenetics, part of Exact Sciences
Classification: Uncertain significance for CACNA1H-related condition. Last evaluated: 2025-08-22. Review status: criteria provided, single submitter. Criteria: ACMG Guidelines, 2015. Collection method: clinical testing. Allele origin: germline.
Comment: The CACNA1H c.5802C>A variant is predicted to result in the amino acid substitution p.Phe1934Leu. To our knowledge, this variant has not been reported in the literature. This variant is reported in 0.0014% of alleles in individuals of European (Non-Finnish) descent in gnomAD. At this time, the clinical significance of this variant is uncertain due to the absence of conclusive functional and genetic evidence.

Labcorp Genetics (formerly Invitae), Labcorp
Classification: Uncertain significance for Idiopathic generalized epilepsy; Hyperaldosteronism, familial, type IV. Last evaluated: 2022-08-09. Review status: criteria provided, single submitter. Criteria: Invitae Variant Classification Sherloc (09022015). Collection method: clinical testing. Allele origin: germline.
Comment: In summary, the available evidence is currently insufficient to determine the role of this variant in disease. Therefore, it has been classified as a Variant of Uncertain Significance. Advanced modeling of protein sequence and biophysical properties (such as structural, functional, and spatial information, amino acid conservation, physicochemical variation, residue mobility, and thermodynamic stability) performed at Invitae indicates that this missense variant is not expected to disrupt CACNA1H protein function. ClinVar contains an entry for this variant (Variation ID: 1063109). This variant has not been reported in the literature in individuals affected with CACNA1H-related conditions. The frequency data for this variant in the population databases is considered unreliable, as metrics indicate poor data quality at this position in the gnomAD database. This sequence change replaces phenylalanine, which is neutral and non-polar, with leucine, which is neutral and non-polar, at codon 1934 of the CACNA1H protein (p.Phe1934Leu).